The following is an entry in ClinVar:

ClinVar aggregate classification (germline): Conflicting classifications of pathogenicity. Review status: criteria provided, conflicting classifications (1 of 4 stars). 5 submissions from 5 submitters: Uncertain significance (1); Benign (1); Likely benign (3). Last evaluated 2026-08-01.

Conditions:
Mitochondrial complex I deficiency, nuclear type 1. Also called: NADH-COENZYME Q REDUCTASE DEFICIENCY; MITOCHONDRIAL NADH DEHYDROGENASE COMPONENT OF COMPLEX I, DEFICIENCY OF. Identifiers: MedGen C6022305, MONDO:0100224, OMIM 252010.

Allele frequency attached by ClinVar (database versions not stated): 1000 Genomes Project 0.00060; 1000 Genomes Project 30x 0.00062; ESP Exome Variant Server 0.00069; ExAC 0.00077; TOPMed 0.00082; gnomAD exomes 0.00096; gnomAD 0.00098 and 0.00103.

Submissions (5):

CeGaT Center for Human Genetics Tuebingen
Classification: Likely benign. Last evaluated: 2026-08-01. Review status: criteria provided, single submitter. Criteria: CeGaT Center For Human Genetics Tuebingen Variant Classification Criteria Version 2. Collection method: clinical testing. Allele origin: germline. Affected: yes. Observed: 1 variant allele.
Comment: FOXRED1: BP4

Labcorp Genetics (formerly Invitae), Labcorp
Classification: Likely benign. Last evaluated: 2026-02-01. Review status: criteria provided, single submitter. Criteria: Invitae Variant Classification Sherloc (09022015). Collection method: clinical testing. Allele origin: germline.

Blueprint Genetics
Classification: Likely benign. Last evaluated: 2024-11-25. Review status: criteria provided, single submitter. Criteria: ACMG Guidelines, 2015. Collection method: clinical testing. Allele origin: germline.

Illumina Laboratory Services, Illumina
Classification: Uncertain significance for Mitochondrial complex I deficiency, nuclear type 1. Last evaluated: 2018-01-13. Review status: criteria provided, single submitter. Criteria: ICSL Variant Classification Criteria 13 December 2019. Collection method: clinical testing. Allele origin: germline.

GeneDx
Classification: Benign. Last evaluated: 2015-03-03. Review status: criteria provided, single submitter. Criteria: GeneDx Variant Classification Process June 2021. Collection method: clinical testing. Allele origin: germline. Affected: yes.

NM_017547.4(FOXRED1):c.417+10A>G

Gene: FOXRED1 (FAD dependent oxidoreductase domain containing 1; plus strand). Cytogenetic location: 11q24.2.
Variant type: single nucleotide variant.
Coding change: c.417+10A>G on transcript NM_017547.4 (MANE Select); 10 bases into the intron after coding-DNA position 417, A replaced by G.
Molecular consequence: intron variant.
Genome position (GRCh38, 1-based): chr11:126,273,089, A>G. VCF-style: chr11-126273089-A-G. GRCh37 (hg19) VCF-style: chr11-126142984-A-G.
Identifiers: ClinVar variation 703853 (VCV000703853.17), dbSNP rs180800246, ClinGen allele CA6354060.